The following is an entry in ClinVar:

ClinVar aggregate classification (germline): Likely pathogenic (1 of 4 stars; one submission).

Conditions:
Spermatogenic failure 100. Identifiers: MedGen C6012726, MONDO:0978302, OMIM 621209.

Submission:

Juno Genomics, Hangzhou Juno Genomics, Inc
Classification: Likely pathogenic for Spermatogenic failure 100. Review status: criteria provided, single submitter. Criteria: ACMG Guidelines, 2015. Collection method: clinical testing. Allele origin: germline.
Comment: Absent from controls (or at extremely low frequency if recessive) in Genome Aggregation Database.;Null variant in a gene where loss of function (LOF) is a known mechanism of disease.

NM_001366028.2(DNAH12):c.378_397del (p.Leu127fs)

Gene: DNAH12 (dynein axonemal heavy chain 12; minus strand). Cytogenetic location: 3p14.3.
Variant type: Deletion.
Coding change: c.378_397del on transcript NM_001366028.2 (MANE Select); coding-DNA positions 378 to 397, 20 bases deleted (TTTAAAGGAAGGGAAAGAAA).
Protein change: p.Leu127fs; shifts the reading frame from leucine 127.
Molecular consequence: frameshift variant.
Genome position (GRCh38, 1-based): chr3:57,510,862-57,510,881, TTTCTTTCCCTTCCTTTAAA deleted on the plus strand (TTTAAAGGAAGGGAAAGAAA on the coding strand, the reverse complement: DNAH12 is on the minus strand). VCF-style (leftmost placement, unchanged base first): chr3-57510861-CTTTCTTTCCCTTCCTTTAAA-C. GRCh37 (hg19) VCF-style: chr3-57496588-CTTTCTTTCCCTTCCTTTAAA-C.
Other names: c.378_397del, p.Leu127fs (NM_198564.4); short protein forms L127fs.
Identifiers: ClinVar variation 5019090 (VCV005019090.2).